The following is an entry in ClinVar:

NM_001292063.2(OTOG):c.4246C>T (p.Arg1416Trp)

Gene: OTOG (otogelin; plus strand). Cytogenetic location: 11p15.1.
Variant type: single nucleotide variant.
Coding change: c.4246C>T on transcript NM_001292063.2 (MANE Select); coding-DNA position 4246, C replaced by T.
Protein change: p.Arg1416Trp; replaces arginine 1416 with tryptophan.
Molecular consequence: missense variant.
Genome position (GRCh38, 1-based): chr11:17,608,385, C>T. VCF-style: chr11-17608385-C-T. GRCh37 (hg19) VCF-style: chr11-17629932-C-T.
Other names: c.4282C>T, p.Arg1428Trp (NM_001277269.2); short protein forms R1428W, R1416W.
Identifiers: ClinVar variation 505385 (VCV000505385.14), dbSNP rs559512010, ClinGen allele CA5905827.

ClinVar aggregate classification (germline): Conflicting classifications of pathogenicity. Review status: criteria provided, conflicting classifications (1 of 4 stars). 4 submissions from 4 submitters: Uncertain significance (3); Likely benign (1). Last evaluated 2025-10-15.

Conditions:
OTOG-related disorder. Also called: OTOG-related condition.

Allele frequency attached by ClinVar (database versions not stated): gnomAD exomes 0.00006; ExAC 0.00016; gnomAD 0.00046 and 0.00048; TOPMed 0.00050; 1000 Genomes Project 0.00060; 1000 Genomes Project 30x 0.00062.
gnomAD v4.1: 147 of 1,545,604 alleles (0.0095%); highest among the groups gnomAD compares: African/African-American, 0.14%; no homozygotes.

Submissions (4):

PreventionGenetics, part of Exact Sciences
Classification: Uncertain significance for OTOG-related condition. Last evaluated: 2025-10-15. Review status: criteria provided, single submitter. Criteria: ACMG Guidelines, 2015. Collection method: clinical testing. Allele origin: germline.
Comment: The OTOG c.4282C>T variant is predicted to result in the amino acid substitution p.Arg1428Trp. To our knowledge, this variant has not been reported in the literature. This variant is reported in 0.078% of alleles in individuals of African descent in gnomAD. Although we suspect that this variant may be benign, at this time, the clinical significance of this variant is uncertain due to the absence of conclusive functional and genetic evidence.

GeneDx
Classification: Uncertain significance. Last evaluated: 2025-08-09. Review status: criteria provided, single submitter. Criteria: GeneDx Variant Classification Process June 2021. Collection method: clinical testing. Allele origin: germline. Affected: yes.
Comment: In silico analysis suggests that this missense variant does not alter protein structure/function; Has not been previously published as pathogenic or benign to our knowledge

Labcorp Genetics (formerly Invitae), Labcorp
Classification: Uncertain significance. Last evaluated: 2022-05-21. Review status: criteria provided, single submitter. Criteria: Invitae Variant Classification Sherloc (09022015). Collection method: clinical testing. Allele origin: germline.
Comment: This sequence change replaces arginine, which is basic and polar, with tryptophan, which is neutral and slightly polar, at codon 1428 of the OTOG protein (p.Arg1428Trp). This variant is present in population databases (rs559512010, gnomAD 0.08%). This variant has not been reported in the literature in individuals affected with OTOG-related conditions. ClinVar contains an entry for this variant (Variation ID: 505385). Algorithms developed to predict the effect of missense changes on protein structure and function output the following: SIFT: "Tolerated"; PolyPhen-2: "Benign"; Align-GVGD: "Class C0". The tryptophan amino acid residue is found in multiple mammalian species, which suggests that this missense change does not adversely affect protein function. In summary, the available evidence is currently insufficient to determine the role of this variant in disease. Therefore, it has been classified as a Variant of Uncertain Significance.

Laboratory for Molecular Medicine, Mass General Brigham Personalized Medicine
Classification: Likely benign. Last evaluated: 2016-10-25. Review status: criteria provided, single submitter. Criteria: LMM Criteria. Collection method: clinical testing. Allele origin: germline. Observed: 1 variant allele.
Comment: p.Arg1428Trp in exon 33 of OTOG: This variant is not expected to have clinical s ignificance due to a lack of conservation across species, including mammals. Of note, >10 mammals have a tryptophan (Trp) at this position despite high nearby a mino acid conservation. In addition, computational prediction tools do not sugge st a high likelihood of impact to the protein. It has also been identified in 1/ 820 African and 1/4346 European chromosomes by the Exome Aggregation Consortium (ExAC; dbSNP rs559512010).